The following is an entry in ClinVar:

ClinVar aggregate classification (germline): Uncertain significance. Review status: criteria provided, multiple submitters, no conflicts (2 of 4 stars). 2 submissions from 2 submitters: Uncertain significance (2). Last evaluated 2023-08-22.

Conditions:
Inborn genetic diseases. Identifiers: MedGen C0950123, MeSH D030342.
NEK1-related disorder. Also called: NEK1-related condition.

Allele frequency attached by ClinVar (database versions not stated): TOPMed below 0.00001; ExAC 0.00001.
gnomAD v4.1: 5 of 1,613,766 alleles (0.00031%); highest among the groups gnomAD compares: Middle Eastern, 0.017%; no homozygotes.

Submissions (2):

PreventionGenetics, part of Exact Sciences
Classification: Uncertain significance for NEK1-related condition. Last evaluated: 2023-08-22. Review status: criteria provided, single submitter. Criteria: ACMG Guidelines, 2015. Collection method: clinical testing. Allele origin: germline.
Comment: The NEK1 c.3031G>C variant is predicted to result in the amino acid substitution p.Glu1011Gln. To our knowledge, this variant has not been reported in the literature. This variant is reported in 0.0027% of alleles in individuals of European (Non-Finnish) descent in gnomAD. At this time, the clinical significance of this variant is uncertain due to the absence of conclusive functional and genetic evidence.

Ambry Genetics
Classification: Uncertain significance for Inborn genetic diseases. Last evaluated: 2021-10-22. Review status: criteria provided, single submitter. Criteria: Ambry Variant Classification Scheme 2023. Collection method: clinical testing. Allele origin: germline.

NM_001199397.3(NEK1):c.3115G>C (p.Glu1039Gln)

Gene: NEK1 (NIMA related kinase 1; minus strand). Cytogenetic location: 4q33.
Variant type: single nucleotide variant.
Coding change: c.3115G>C on transcript NM_001199397.3 (MANE Select); coding-DNA position 3115, G replaced by C.
Protein change: p.Glu1039Gln; replaces glutamic acid 1039 with glutamine.
Molecular consequence: missense variant. On other transcripts: non-coding transcript variant (1).
Genome position (GRCh38, 1-based): chr4:169,424,660, C>G on the plus strand (G>C on the coding strand, the complement: NEK1 is on the minus strand). VCF-style: chr4-169424660-C-G. GRCh37 (hg19) VCF-style: chr4-170345811-C-G.
Other names: c.2983G>C, p.Glu995Gln (NM_001199398.3); c.2824G>C, p.Glu942Gln (NM_001199399.3); c.2899G>C, p.Glu967Gln (NM_001199400.3); c.3115G>C, p.Glu1039Gln (NM_001374418.1); c.3031G>C, p.Glu1011Gln (NM_001374419.1, NM_012224.4); c.2980G>C, p.Glu994Gln (NM_001374420.1); c.2632G>C, p.Glu878Gln (NM_001374421.1); short protein forms E1011Q, E967Q, E994Q, E1039Q, E878Q, E942Q, E995Q.
Identifiers: ClinVar variation 2256587 (VCV002256587.3), dbSNP rs779767983, ClinGen allele CA3137238.